The following is an entry in ClinVar:

NM_018834.6(MATR3):c.2348C>A (p.Pro783Gln)

Gene: MATR3 (matrin 3; plus strand). Cytogenetic location: 5q31.2.
Variant type: single nucleotide variant.
Coding change: c.2348C>A on transcript NM_018834.6 (MANE Select); coding-DNA position 2348, C replaced by A.
Protein change: p.Pro783Gln; replaces proline 783 with glutamine.
Molecular consequence: missense variant.
Genome position (GRCh38, 1-based): chr5:139,325,639, C>A. VCF-style: chr5-139325639-C-A. GRCh37 (hg19) VCF-style: chr5-138661328-C-A.
Other names: c.2348C>A, p.Pro783Gln (NM_001194954.2, NM_001194955.2, NM_001400447.1 and 11 more transcripts); c.1484C>A, p.Pro495Gln (NM_001194956.2); c.1334C>A, p.Pro445Gln (NM_001282278.2, NM_001400462.1, NM_001400463.1 and 4 more transcripts); c.2492C>A, p.Pro831Gln (NM_001400441.1, NM_001400442.1, NM_001400443.1 and 2 more transcripts); c.1487C>A, p.Pro496Gln (NM_001400459.1); c.1478C>A, p.Pro493Gln (NM_001400460.1); c.1448C>A, p.Pro483Gln (NM_001400461.1); short protein forms P483Q, P493Q, P495Q, P831Q, P496Q, P445Q, P783Q.
Identifiers: ClinVar variation 2751681 (VCV002751681.3), dbSNP rs1194022580, ClinGen allele CA361146641.

ClinVar aggregate classification (germline): Uncertain significance (1 of 4 stars; one submission).

Conditions:
Amyotrophic lateral sclerosis type 21. Also called: MYOPATHY, DISTAL, 2; VOCAL CORD AND PHARYNGEAL DYSFUNCTION WITH DISTAL MYOPATHY. Identifiers: Orphanet 600, Orphanet 803, MedGen C3807521, MONDO:0011632, OMIM 606070.

Submission:

Labcorp Genetics (formerly Invitae), Labcorp
Classification: Uncertain significance for Amyotrophic lateral sclerosis type 21. Last evaluated: 2023-10-27. Review status: criteria provided, single submitter. Criteria: Invitae Variant Classification Sherloc (09022015). Collection method: clinical testing. Allele origin: germline.
Comment: This sequence change replaces proline, which is neutral and non-polar, with glutamine, which is neutral and polar, at codon 783 of the MATR3 protein (p.Pro783Gln). This variant is not present in population databases (gnomAD no frequency). This variant has not been reported in the literature in individuals affected with MATR3-related conditions. Advanced modeling of protein sequence and biophysical properties (such as structural, functional, and spatial information, amino acid conservation, physicochemical variation, residue mobility, and thermodynamic stability) has been performed at Invitae for this missense variant, however the output from this modeling did not meet the statistical confidence thresholds required to predict the impact of this variant on MATR3 protein function. In summary, the available evidence is currently insufficient to determine the role of this variant in disease. Therefore, it has been classified as a Variant of Uncertain Significance.